The following is an entry in ClinVar:

NM_182760.4(SUMF1):c.280A>G (p.Ile94Val)

Gene: SUMF1 (sulfatase modifying factor 1; minus strand). Cytogenetic location: 3p26.1.
Variant type: single nucleotide variant.
Coding change: c.280A>G on transcript NM_182760.4 (MANE Select); coding-DNA position 280, A replaced by G.
Protein change: p.Ile94Val; replaces isoleucine 94 with valine.
Molecular consequence: missense variant.
Genome position (GRCh38, 1-based): chr3:4,453,040, T>C on the plus strand (A>G on the coding strand, the complement: SUMF1 is on the minus strand). VCF-style: chr3-4453040-T-C. GRCh37 (hg19) VCF-style: chr3-4494724-T-C.
Other names: c.280A>G, p.Ile94Val (NM_001164674.2, NM_001164675.2); short protein forms I94V.
Identifiers: ClinVar variation 3067791 (VCV003067791.21), dbSNP rs2470007558, ClinGen allele CA351793433.

ClinVar aggregate classification (germline): Uncertain significance (1 of 4 stars; one submission).

Submission:

CeGaT Center for Human Genetics Tuebingen
Classification: Uncertain significance. Last evaluated: 2024-03-01. Review status: criteria provided, single submitter. Criteria: CeGaT Center For Human Genetics Tuebingen Variant Classification Criteria Version 2. Collection method: clinical testing. Allele origin: germline. Affected: yes. Observed: 1 variant allele.
Comment: SUMF1: PM2, PP3